The following is an entry in ClinVar:

NM_005732.4(RAD50):c.1398G>T (p.Gln466His)

Gene: RAD50 (RAD50 double strand break repair protein; plus strand). Cytogenetic location: 5q31.1.
Variant type: single nucleotide variant.
Coding change: c.1398G>T on transcript NM_005732.4 (MANE Select); coding-DNA position 1398, G replaced by T.
Protein change: p.Gln466His; replaces glutamine 466 with histidine.
Molecular consequence: missense variant.
Genome position (GRCh38, 1-based): chr5:132,589,783, G>T. VCF-style: chr5-132589783-G-T. GRCh37 (hg19) VCF-style: chr5-131925475-G-T.
Other names: short protein forms Q466H.
Identifiers: ClinVar variation 819106 (VCV000819106.11), dbSNP rs1554098329, ClinGen allele CA360944648.
Genomic context (GRCh38, chr5:132,589,783, plus strand): 5'-ATCAGAAATCCTAAGTAAGAAGCAGAATGAGCTGAAAAATGTGAAGTATGAATTACAGCA[G>T]TTGGAAGGATCTTCAGACAGGATTCTTGAACTGGACCAGGAGCTCATAAAAGCTGTAAGA-3'
Protein context (NP_005723.2, residues 456-476): ELKNVKYELQ[Gln466His]LEGSSDRILE

ClinVar aggregate classification (germline): Uncertain significance. Review status: criteria provided, multiple submitters, no conflicts (2 of 4 stars). 2 submissions from 2 submitters: Uncertain significance (2). Last evaluated 2025-11-03.

Conditions:
Hereditary cancer-predisposing syndrome. Also called: Tumor predisposition; Hereditary neoplastic syndrome; Neoplastic Syndromes, Hereditary; Hereditary Cancer Syndrome. Identifiers: Orphanet 140162, MedGen C0027672, MeSH D009386, MONDO:0015356.

Submissions (2):

Ambry Genetics
Classification: Uncertain significance for Hereditary cancer-predisposing syndrome. Last evaluated: 2025-11-03. Review status: criteria provided, single submitter. Criteria: Ambry Variant Classification Scheme 2023. Collection method: clinical testing. Allele origin: germline.
Comment: The p.Q466H variant (also known as c.1398G>T), located in coding exon 9 of the RAD50 gene, results from a G to T substitution at nucleotide position 1398. The glutamine at codon 466 is replaced by histidine, an amino acid with highly similar properties. This amino acid position is not well conserved in available vertebrate species. In addition, this alteration is predicted to be tolerated by in silico analysis. Since supporting evidence is limited at this time, the clinical significance of this alteration remains unclear.

Labcorp Genetics (formerly Invitae), Labcorp
Classification: Uncertain significance for Hereditary cancer-predisposing syndrome. Last evaluated: 2021-09-15. Review status: criteria provided, single submitter. Criteria: Invitae Variant Classification Sherloc (09022015). Collection method: clinical testing. Allele origin: germline.
Comment: In summary, the available evidence is currently insufficient to determine the role of this variant in disease. Therefore, it has been classified as a Variant of Uncertain Significance. This sequence change replaces glutamine with histidine at codon 466 of the RAD50 protein (p.Gln466His). The glutamine residue is moderately conserved and there is a small physicochemical difference between glutamine and histidine. This variant is not present in population databases (ExAC no frequency). This variant has not been reported in the literature in individuals affected with RAD50-related conditions. ClinVar contains an entry for this variant (Variation ID: 819106). Algorithms developed to predict the effect of missense changes on protein structure and function (SIFT, PolyPhen-2, Align-GVGD) all suggest that this variant is likely to be tolerated.